The following is an entry in ClinVar:

NM_000836.4(GRIN2D):c.2872G>A (p.Ala958Thr)

Gene: GRIN2D (glutamate ionotropic receptor NMDA type subunit 2D; plus strand). Cytogenetic location: 19q13.33.
Variant type: single nucleotide variant.
Coding change: c.2872G>A on transcript NM_000836.4 (MANE Select); coding-DNA position 2872, G replaced by A.
Protein change: p.Ala958Thr; replaces alanine 958 with threonine.
Molecular consequence: missense variant.
Genome position (GRCh38, 1-based): chr19:48,442,798, G>A. VCF-style: chr19-48442798-G-A. GRCh37 (hg19) VCF-style: chr19-48946055-G-A.
Other names: short protein forms A958T.
Identifiers: ClinVar variation 2718938 (VCV002718938.3), dbSNP rs2513692003, ClinGen allele CA406674054.

ClinVar aggregate classification (germline): Uncertain significance (1 of 4 stars; one submission).

Submission:

Labcorp Genetics (formerly Invitae), Labcorp
Classification: Uncertain significance. Last evaluated: 2023-06-18. Review status: criteria provided, single submitter. Criteria: Invitae Variant Classification Sherloc (09022015). Collection method: clinical testing. Allele origin: germline.
Comment: In summary, the available evidence is currently insufficient to determine the role of this variant in disease. Therefore, it has been classified as a Variant of Uncertain Significance. Advanced modeling of protein sequence and biophysical properties (such as structural, functional, and spatial information, amino acid conservation, physicochemical variation, residue mobility, and thermodynamic stability) performed at Invitae indicates that this missense variant is not expected to disrupt GRIN2D protein function. This variant has not been reported in the literature in individuals affected with GRIN2D-related conditions. The frequency data for this variant in the population databases is considered unreliable, as metrics indicate insufficient coverage at this position in the gnomAD database. This sequence change replaces alanine, which is neutral and non-polar, with threonine, which is neutral and polar, at codon 958 of the GRIN2D protein (p.Ala958Thr).